The following is an entry in ClinVar:

NM_000057.4(BLM):c.2781A>C (p.Arg927Ser)

Gene: BLM (BLM RecQ like helicase; plus strand). Cytogenetic location: 15q26.1.
Variant type: single nucleotide variant.
Coding change: c.2781A>C on transcript NM_000057.4 (MANE Select); coding-DNA position 2781, A replaced by C.
Protein change: p.Arg927Ser; replaces arginine 927 with serine.
Molecular consequence: missense variant.
Genome position (GRCh38, 1-based): chr15:90,785,039, A>C. VCF-style: chr15-90785039-A-C. GRCh37 (hg19) VCF-style: chr15-91328269-A-C.
Other names: c.2781A>C, p.Arg927Ser (NM_001287246.2, NM_001287247.2); c.1656A>C, p.Arg552Ser (NM_001287248.2); short protein forms R927S, R552S.
Identifiers: ClinVar variation 4622856 (VCV004622856.1).

ClinVar aggregate classification (germline): Uncertain significance (1 of 4 stars; one submission).

Conditions:
Hereditary cancer-predisposing syndrome. Also called: Neoplastic Syndromes, Hereditary; Tumor predisposition; Hereditary Cancer Syndrome; Hereditary neoplastic syndrome. Identifiers: Orphanet 140162, MedGen C0027672, MeSH D009386, MONDO:0015356.

gnomAD v4.1: 1 of 1,614,146 alleles (0.000062%); highest among the groups gnomAD compares: Admixed American, 0.0017%; no homozygotes.

Submission:

Ambry Genetics
Classification: Uncertain significance for Hereditary cancer-predisposing syndrome. Last evaluated: 2025-11-22. Review status: criteria provided, single submitter. Criteria: Ambry Variant Classification Scheme 2023. Collection method: clinical testing. Allele origin: germline.
Comment: The p.R927S variant (also known as c.2781A>C), located in coding exon 13 of the BLM gene, results from an A to C substitution at nucleotide position 2781. The arginine at codon 927 is replaced by serine, an amino acid with dissimilar properties. This amino acid position is conserved. In addition, this alteration is predicted to be deleterious by in silico analysis. Based on the available evidence, the clinical significance of this variant remains unclear.